The following is an entry in ClinVar:

ClinVar aggregate classification (germline): Uncertain significance (1 of 4 stars; one submission).

Submission:

Labcorp Genetics (formerly Invitae), Labcorp
Classification: Uncertain significance. Last evaluated: 2021-06-01. Review status: criteria provided, single submitter. Criteria: Invitae Variant Classification Sherloc (09022015). Collection method: clinical testing. Allele origin: germline.
Comment: While this variant is present in population databases (rs759639123), the frequency information is unreliable, as metrics indicate poor data quality at this position in the ExAC database. In summary, the available evidence is currently insufficient to determine the role of this variant in disease. Therefore, it has been classified as a Variant of Uncertain Significance. Experimental studies and prediction algorithms are not available or were not evaluated, and the functional significance of this variant is currently unknown. This variant has not been reported in the literature in individuals with PODXL-related conditions. This variant, c.69_89dup, results in the insertion of 7 amino acid(s) to the PODXL protein (p.Pro24_Pro30dup), but otherwise preserves the integrity of the reading frame.

NM_001018111.3(PODXL):c.69_89dup (p.Pro24_Pro30dup)

Genes: PODXL (podocalyxin like; minus strand), LOC129999375 (ATAC-STARR-seq lymphoblastoid silent region 18663; plus strand). Cytogenetic location: 7q32.3.
Variant type: Duplication.
Coding change: c.69_89dup on transcript NM_001018111.3 (MANE Select); coding-DNA positions 69 to 89, 21 bases duplicated (GCCGTCGCCGTCGCCGTCGCC).
Protein change: p.Pro24_Pro30dup.
Molecular consequence: inframe insertion.
Genome position (GRCh38, 1-based): chr7:131,556,271-131,556,291, GGCGACGGCGACGGCGACGGC duplicated on the plus strand (GCCGTCGCCGTCGCCGTCGCC on the coding strand, the reverse complement: PODXL is on the minus strand); duplicating any 21 consecutive bases within chr7:131,556,271-131,556,292 gives the same sequence; the c. name uses the placement nearest the transcript's 3' end. VCF-style (leftmost placement, unchanged base first): chr7-131556270-G-GGGCGACGGCGACGGCGACGGC. GRCh37 (hg19) VCF-style: chr7-131241029-G-GGGCGACGGCGACGGCGACGGC.
Other names: c.69_89dup, p.Pro24_Pro30dup (NM_005397.4).
Identifiers: ClinVar variation 1387757 (VCV001387757.8), dbSNP rs759639123, ClinGen allele CA4488792.